The following is an entry in ClinVar:

ClinVar aggregate classification (germline): Likely benign. Review status: criteria provided, multiple submitters, no conflicts (2 of 4 stars). 2 submissions from 2 submitters: Likely benign (2). Last evaluated 2025-05-01.

Allele frequency attached by ClinVar (database versions not stated): ExAC 0.00002; gnomAD 0.00002; TOPMed 0.00002.

Submissions (2):

CeGaT Center for Human Genetics Tuebingen
Classification: Likely benign. Last evaluated: 2025-05-01. Review status: criteria provided, single submitter. Criteria: CeGaT Center For Human Genetics Tuebingen Variant Classification Criteria Version 2. Collection method: clinical testing. Allele origin: germline. Affected: yes. Observed: 1 variant allele.
Comment: PLTP: BP4, BP7

Labcorp Genetics (formerly Invitae), Labcorp
Classification: Likely benign. Last evaluated: 2023-06-21. Review status: criteria provided, single submitter. Criteria: Invitae Variant Classification Sherloc (09022015). Collection method: clinical testing. Allele origin: germline.

NM_006227.4(PLTP):c.390G>A (p.Glu130=)

Gene: PLTP (phospholipid transfer protein; minus strand). Cytogenetic location: 20q13.12.
Variant type: single nucleotide variant.
Coding change: c.390G>A on transcript NM_006227.4 (MANE Select); coding-DNA position 390, G replaced by A.
Protein change: p.Glu130=; no amino-acid change (glutamic acid 130 retained).
Molecular consequence: synonymous variant. On other transcripts: intron variant (2).
Genome position (GRCh38, 1-based): chr20:45,909,611, C>T on the plus strand (G>A on the coding strand, the complement: PLTP is on the minus strand). VCF-style: chr20-45909611-C-T. GRCh37 (hg19) VCF-style: chr20-44538250-C-T.
Other names: c.126G>A, p.Glu42= (NM_001242921.1); c.200+1541G>A (NM_001242920.2); c.329+331G>A (NM_182676.3).
Identifiers: ClinVar variation 2904430 (VCV002904430.13), dbSNP rs759898261, ClinGen allele CA9883893.
Genomic context (GRCh38, chr20:45,909,611, plus strand): 5'-GACAGAGGCCTGGCAGGAGACATTGGACACTTTCATCCGTCCAGCGGGATCCCGGGAGAG[C>T]TCCAGACCAGTGCGGATGGACACACCCTCAGCTGAGGCGTTGATGTAGCCCCCATCATAG-3'
Protein context (NP_006218.1, residues 120-140): AEGVSIRTGL[Glu130=]LSRDPAGRMK